The following is an entry in ClinVar:

ClinVar aggregate classification (germline): Likely benign (1 of 4 stars; one submission).

Submission:

GeneDx
Classification: Likely benign. Last evaluated: 2018-04-18. Review status: criteria provided, single submitter. Criteria: GeneDx Variant Classification (06012015). Collection method: clinical testing. Allele origin: germline. Affected: yes.
Comment: This variant is considered likely benign or benign based on one or more of the following criteria: it is a conservative change, it occurs at a poorly conserved position in the protein, it is predicted to be benign by multiple in silico algorithms, and/or has population frequency not consistent with disease.

NM_001271.4(CHD2):c.1296C>G (p.Leu432=)

Gene: CHD2 (chromodomain helicase DNA binding protein 2; plus strand). Cytogenetic location: 15q26.1.
Variant type: single nucleotide variant.
Coding change: c.1296C>G on transcript NM_001271.4 (MANE Select); coding-DNA position 1296, C replaced by G.
Protein change: p.Leu432=; no amino-acid change (leucine 432 retained).
Molecular consequence: synonymous variant.
Genome position (GRCh38, 1-based): chr15:92,946,135, C>G. VCF-style: chr15-92946135-C-G. GRCh37 (hg19) VCF-style: chr15-93489365-C-G.
Other names: c.1296C>G, p.Leu432= (NM_001042572.3).
Identifiers: ClinVar variation 682182 (VCV000682182.1), dbSNP rs1596399313, ClinGen allele CA492498808.